The following is an entry in ClinVar:

NM_020461.4(TUBGCP6):c.723C>T (p.Leu241=)

Gene: TUBGCP6 (tubulin gamma complex component 6; minus strand). Cytogenetic location: 22q13.33.
Variant type: single nucleotide variant.
Coding change: c.723C>T on transcript NM_020461.4 (MANE Select); coding-DNA position 723, C replaced by T.
Protein change: p.Leu241=; no amino-acid change (leucine 241 retained).
Molecular consequence: synonymous variant.
Genome position (GRCh38, 1-based): chr22:50,243,737, G>A on the plus strand (C>T on the coding strand, the complement: TUBGCP6 is on the minus strand). VCF-style: chr22-50243737-G-A. GRCh37 (hg19) VCF-style: chr22-50682166-G-A.
Other names: c.723C>T (NM_020461.3).
Identifiers: ClinVar variation 1649836 (VCV001649836.10), dbSNP rs2147221218, ClinGen allele CA515377305.

ClinVar aggregate classification (germline): Likely benign. Review status: criteria provided, single submitter (1 of 4 stars). 2 submissions from 2 submitters: Likely benign (1). 1 of the submissions does not count toward it. Last evaluated 2021-12-09.

Conditions:
TUBGCP6-related disorder. Also called: TUBGCP6-related condition.

Allele frequency attached by ClinVar (database versions not stated): gnomAD exomes below 0.00001.
gnomAD v4.1: 2 of 1,612,816 alleles (0.00012%); highest among the groups gnomAD compares: Non-Finnish European, 0.000085%; no homozygotes.

Submissions (2):

Labcorp Genetics (formerly Invitae), Labcorp
Classification: Likely benign. Last evaluated: 2021-12-09. Review status: criteria provided, single submitter. Criteria: Invitae Variant Classification Sherloc (09022015). Collection method: clinical testing. Allele origin: germline.

PreventionGenetics, part of Exact Sciences
Classification: Likely benign for TUBGCP6-related condition. Last evaluated: 2023-02-03. Review status: no assertion criteria provided. Collection method: clinical testing. Allele origin: germline. Not counted in ClinVar's aggregate classification.
Comment: This variant is classified as likely benign based on ACMG/AMP sequence variant interpretation guidelines (Richards et al. 2015 PMID: 25741868, with internal and published modifications).